The following is an entry in ClinVar:

ClinVar aggregate classification (germline): Uncertain significance (1 of 4 stars; one submission).

Submission:

GeneDx
Classification: Uncertain significance. Last evaluated: 2024-10-28. Review status: criteria provided, single submitter. Criteria: GeneDx Variant Classification Process June 2021. Collection method: clinical testing. Allele origin: germline. Affected: yes.
Comment: Not observed at significant frequency in large population cohorts (gnomAD); In silico analysis supports that this missense variant has a deleterious effect on protein structure/function; Has not been previously published as pathogenic or benign to our knowledge

NM_012199.5(AGO1):c.2378G>A (p.Arg793His)

Gene: AGO1 (argonaute RISC component 1; plus strand). Cytogenetic location: 1p34.3.
Variant type: single nucleotide variant.
Coding change: c.2378G>A on transcript NM_012199.5 (MANE Select); coding-DNA position 2378, G replaced by A.
Protein change: p.Arg793His; replaces arginine 793 with histidine.
Molecular consequence: missense variant.
Genome position (GRCh38, 1-based): chr1:35,919,167, G>A. VCF-style: chr1-35919167-G-A. GRCh37 (hg19) VCF-style: chr1-36384768-G-A.
Other names: c.2378G>A, p.Arg793His (NM_001317122.2); c.2153G>A, p.Arg718His (NM_001317123.2); short protein forms R718H, R793H.
Identifiers: ClinVar variation 3893653 (VCV003893653.1).